The following is an entry in ClinVar:

NM_006648.4(WNK2):c.388G>T (p.Ala130Ser)

Gene: WNK2 (WNK lysine deficient protein kinase 2; plus strand). Cytogenetic location: 9q22.31.
Variant type: single nucleotide variant.
Coding change: c.388G>T on transcript NM_006648.4 (MANE Select); coding-DNA position 388, G replaced by T.
Protein change: p.Ala130Ser; replaces alanine 130 with serine.
Molecular consequence: missense variant.
Genome position (GRCh38, 1-based): chr9:93,185,317, G>T. VCF-style: chr9-93185317-G-T. GRCh37 (hg19) VCF-style: chr9-95947599-G-T.
Other names: c.388G>T, p.Ala130Ser (NM_001282394.3); short protein forms A130S.
Identifiers: ClinVar variation 4201609 (VCV004201609.1).

ClinVar aggregate classification (germline): Uncertain significance (1 of 4 stars; one submission).

Submission:

Ambry Genetics
Classification: Uncertain significance. Last evaluated: 2025-07-11. Review status: criteria provided, single submitter. Criteria: Ambry Variant Classification Scheme 2023. Collection method: clinical testing. Allele origin: germline.
Comment: The p.A130S variant (also known as c.388G>T), located in coding exon 1 of the WNK2 gene, results from a G to T substitution at nucleotide position 388. The alanine at codon 130 is replaced by serine, an amino acid with similar properties. This amino acid position is conserved. In addition, this alteration is predicted to be tolerated by in silico analysis. Based on the available evidence, the clinical significance of this variant remains unclear.